The following is an entry in ClinVar:

ClinVar aggregate classification (germline): Uncertain significance. Review status: criteria provided, multiple submitters, no conflicts (2 of 4 stars). 3 submissions from 3 submitters: Uncertain significance (3). Last evaluated 2024-03-06.

Conditions:
Hereditary cancer-predisposing syndrome. Also called: Hereditary Cancer Syndrome; Hereditary neoplastic syndrome; Neoplastic Syndromes, Hereditary; Tumor predisposition. Identifiers: Orphanet 140162, MedGen C0027672, MeSH D009386, MONDO:0015356.
Ataxia-telangiectasia syndrome (AT). Also called: LOUIS-BAR SYNDROME; Cerebello-oculocutaneous telangiectasia; Immunodeficiency with ataxia telangiectasia; Ataxia-telangiectasia, complementation group D; AT, COMPLEMENTATION GROUP C; ATAXIA-TELANGIECTASIA, COMPLEMENTATION GROUP A. Identifiers: Orphanet 100, MedGen C0004135, MONDO:0008840, OMIM 208900.

Allele frequency attached by ClinVar (database versions not stated): gnomAD exomes below 0.00001; gnomAD 0.00001; TOPMed 0.00001.
gnomAD v4.1: 2 of 1,611,846 alleles (0.00012%); highest among the groups gnomAD compares: Non-Finnish European, 0.00017%; no homozygotes.

Submissions (3):

Color Diagnostics, LLC DBA Color Health
Classification: Uncertain significance for Hereditary cancer-predisposing syndrome. Last evaluated: 2024-03-06. Review status: criteria provided, single submitter. Criteria: ACMG Guidelines, 2015. Collection method: clinical testing. Allele origin: germline.
Comment: This missense variant replaces leucine with phenylalanine at codon 121 of the ATM protein. Computational prediction suggests that this variant may not impact protein structure and function (internally defined REVEL score threshold <= 0.5, PMID: 27666373). To our knowledge, functional studies have not been reported for this variant. This variant has not been reported in individuals affected with hereditary cancer in the literature. This variant has not been identified in the general population by the Genome Aggregation Database (gnomAD). The available evidence is insufficient to determine the role of this variant in disease conclusively. Therefore, this variant is classified as a Variant of Uncertain Significance.

Ambry Genetics
Classification: Uncertain significance for Hereditary cancer-predisposing syndrome. Last evaluated: 2022-09-10. Review status: criteria provided, single submitter. Criteria: Ambry Variant Classification Scheme 2023. Collection method: clinical testing. Allele origin: germline.
Comment: The p.L121F variant (also known as c.363A>C), located in coding exon 4 of the ATM gene, results from an A to C substitution at nucleotide position 363. The leucine at codon 121 is replaced by phenylalanine, an amino acid with highly similar properties. This amino acid position is conserved. In addition, the in silico prediction for this alteration is inconclusive. Since supporting evidence is limited at this time, the clinical significance of this alteration remains unclear.

Labcorp Genetics (formerly Invitae), Labcorp
Classification: Uncertain significance for Ataxia-telangiectasia syndrome. Last evaluated: 2022-06-24. Review status: criteria provided, single submitter. Criteria: Invitae Variant Classification Sherloc (09022015). Collection method: clinical testing. Allele origin: germline.
Comment: This sequence change replaces leucine, which is neutral and non-polar, with phenylalanine, which is neutral and non-polar, at codon 121 of the ATM protein (p.Leu121Phe). This variant is not present in population databases (gnomAD no frequency). This variant has not been reported in the literature in individuals affected with ATM-related conditions. ClinVar contains an entry for this variant (Variation ID: 1332251). Advanced modeling of protein sequence and biophysical properties (such as structural, functional, and spatial information, amino acid conservation, physicochemical variation, residue mobility, and thermodynamic stability) performed at Invitae indicates that this missense variant is not expected to disrupt ATM protein function. In summary, the available evidence is currently insufficient to determine the role of this variant in disease. Therefore, it has been classified as a Variant of Uncertain Significance.

NM_000051.4(ATM):c.363A>C (p.Leu121Phe)

Gene: ATM (ATM serine/threonine kinase; plus strand). Cytogenetic location: 11q22.3.
Variant type: single nucleotide variant.
Coding change: c.363A>C on transcript NM_000051.4 (MANE Select); coding-DNA position 363, A replaced by C.
Protein change: p.Leu121Phe; replaces leucine 121 with phenylalanine.
Molecular consequence: missense variant.
Genome position (GRCh38, 1-based): chr11:108,235,701, A>C. VCF-style: chr11-108235701-A-C. GRCh37 (hg19) VCF-style: chr11-108106428-A-C.
Other names: c.363A>C, p.Leu121Phe (NM_001351834.2); short protein forms L121F.
Identifiers: ClinVar variation 1332251 (VCV001332251.10), dbSNP rs774555120, ClinGen allele CA382524698.
Genomic context (GRCh38, chr11:108,235,701, plus strand): 5'-TTTTTCTTTATTTGTTTATTTTGAAATAGGAGCACCTAGGCTAAAATGTCAAGAACTCTT[A>C]AATTATATCATGGATACAGTGAAAGATTCATCTAATGGTGCTATTTACGGAGCTGATTGT-3'
Protein context (NP_000042.3, residues 111-131): RAPRLKCQEL[Leu121Phe]NYIMDTVKDS